The following is an entry in ClinVar:

ClinVar aggregate classification (germline): Uncertain significance (1 of 4 stars; one submission).

Conditions:
Infantile-onset X-linked spinal muscular atrophy. Also called: Spinal Muscular Atrophy, X-Linked Infantile; Spinal muscular atrophy, X-linked 2; AMC, DISTAL, X-LINKED; ARTHROGRYPOSIS, X-LINKED, TYPE I; SPINAL MUSCULAR ATROPHY, X-LINKED LETHAL INFANTILE. Identifiers: Orphanet 1145, MedGen C1844934, MONDO:0010532, OMIM 301830.

Allele frequency attached by ClinVar (database versions not stated): gnomAD 0.00001; gnomAD exomes 0.00001; TOPMed 0.00002; ESP Exome Variant Server 0.00009.
gnomAD v4.1: 7 of 1,208,015 alleles (0.00058%); highest among the groups gnomAD compares: African/African-American, 0.0018%; no homozygotes.

Submission:

Labcorp Genetics (formerly Invitae), Labcorp
Classification: Uncertain significance for Infantile-onset X-linked spinal muscular atrophy. Last evaluated: 2024-04-10. Review status: criteria provided, single submitter. Criteria: Invitae Variant Classification Sherloc (09022015). Collection method: clinical testing. Allele origin: germline.
Comment: This sequence change replaces isoleucine, which is neutral and non-polar, with valine, which is neutral and non-polar, at codon 277 of the UBA1 protein (p.Ile277Val). The frequency data for this variant in the population databases is considered unreliable, as metrics indicate poor data quality at this position in the gnomAD database. This variant has not been reported in the literature in individuals affected with UBA1-related conditions. An algorithm developed to predict the effect of missense changes on protein structure and function (PolyPhen-2) suggests that this variant is likely to be tolerated. In summary, the available evidence is currently insufficient to determine the role of this variant in disease. Therefore, it has been classified as a Variant of Uncertain Significance.

NM_003334.4(UBA1):c.829A>G (p.Ile277Val)

Gene: UBA1 (ubiquitin like modifier activating enzyme 1; plus strand). Cytogenetic location: Xp11.3.
Variant type: single nucleotide variant.
Coding change: c.829A>G on transcript NM_003334.4 (MANE Select); coding-DNA position 829, A replaced by G.
Protein change: p.Ile277Val; replaces isoleucine 277 with valine.
Molecular consequence: missense variant.
Genome position (GRCh38, 1-based): chrX:47,202,173, A>G. VCF-style: chrX-47202173-A-G. GRCh37 (hg19) VCF-style: chrX-47061572-A-G.
Other names: c.829A>G, p.Ile277Val (NM_153280.3); short protein forms I277V.
Identifiers: ClinVar variation 2725842 (VCV002725842.3), dbSNP rs138456460, ClinGen allele CA329034567.